The following is an entry in ClinVar:

NM_015981.4(CAMK2A):c.594T>C (p.Ala198=)

Gene: CAMK2A (calcium/calmodulin dependent protein kinase II alpha; minus strand). Cytogenetic location: 5q32.
Variant type: single nucleotide variant.
Coding change: c.594T>C on transcript NM_015981.4 (MANE Select); coding-DNA position 594, T replaced by C.
Protein change: p.Ala198=; no amino-acid change (alanine 198 retained).
Molecular consequence: synonymous variant.
Genome position (GRCh38, 1-based): chr5:150,251,986, A>G on the plus strand (T>C on the coding strand, the complement: CAMK2A is on the minus strand). VCF-style: chr5-150251986-A-G. GRCh37 (hg19) VCF-style: chr5-149631549-A-G.
Other names: c.594T>C, p.Ala198= (NM_001363989.1, NM_001363990.1, NM_001369025.2 and 1 more transcripts).
Identifiers: ClinVar variation 5041622 (VCV005041622.1).

ClinVar aggregate classification (germline): Likely benign (1 of 4 stars; one submission).

gnomAD v4.1: 2 of 1,613,740 alleles (0.00012%); highest among the groups gnomAD compares: Non-Finnish European, 0.00017%; no homozygotes.

Submission:

CeGaT Center for Human Genetics Tuebingen
Classification: Likely benign. Last evaluated: 2026-09-01. Review status: criteria provided, single submitter. Criteria: CeGaT Center For Human Genetics Tuebingen Variant Classification Criteria Version 2. Collection method: clinical testing. Allele origin: germline. Affected: yes. Observed: 1 variant allele.
Comment: CAMK2A: BP4, BP7